The following is an entry in ClinVar:

NM_002528.7(NTHL1):c.915_*16dup (p.Leu304_Ter305=)

Gene: NTHL1 (nth like DNA glycosylase 1; minus strand). Cytogenetic location: 16p13.3.
Variant type: Duplication.
Coding change: c.915_*16dup on transcript NM_002528.7 (MANE Select); coding-DNA position 915 through 16 bases downstream of the stop codon, 17 bases duplicated (ATGGCCGCATGGCTCTG).
Protein change: p.Leu304_Ter305=.
Molecular consequence: no sequence alteration.
Genome position (GRCh38, 1-based): chr16:2,039,908-2,039,924, CAGAGCCATGCGGCCAT duplicated on the plus strand (ATGGCCGCATGGCTCTG on the coding strand, the reverse complement: NTHL1 is on the minus strand); duplicating any 17 consecutive bases within chr16:2,039,908-2,039,929 gives the same sequence; the c. name uses the placement nearest the transcript's 3' end. VCF-style (leftmost placement, unchanged base first): chr16-2039907-C-CCAGAGCCATGCGGCCAT. GRCh37 (hg19) VCF-style: chr16-2089908-C-CCAGAGCCATGCGGCCAT.
Other names: c.744_*16dup, p.Leu247_Ter248= (NM_001318193.2); c.585_*16dup, p.Leu194_Ter195= (NM_001318194.2).
Identifiers: ClinVar variation 3301265 (VCV003301265.1).
Genomic context (GRCh38, chr16:2,039,907, plus strand): 5'-AGGCGTGGCTTCCTGAAGCGTAAAGCCACTTCACAGACGGTGGCCACAGCGGCACCTCGG[C>CCAGAGCCATGCGGCCAT]CAGAGCCATGCGGCCATCAGAGACCCTGGGCGGCCGGGCAGAGGGCTTGGTTGAGGCAGG-3'

ClinVar aggregate classification (germline): Uncertain significance (1 of 4 stars; one submission).

Conditions:
Hereditary cancer-predisposing syndrome. Also called: Tumor predisposition; Hereditary Cancer Syndrome; Hereditary neoplastic syndrome; Neoplastic Syndromes, Hereditary. Identifiers: Orphanet 140162, MedGen C0027672, MeSH D009386, MONDO:0015356.

Submission:

Ambry Genetics
Classification: Uncertain significance for Hereditary cancer-predisposing syndrome. Last evaluated: 2024-05-30. Review status: criteria provided, single submitter. Criteria: Ambry Variant Classification Scheme 2023. Collection method: clinical testing. Allele origin: germline.
Comment: The c.939_*16dup17 variant results from a duplication of 17 nucleotides at positions c.939 to c.*16 at the 3' end of the NTHL1 gene. This nucleotide region is generally well conserved in available vertebrate species. Based on the available evidence, the clinical significance of this variant remains unclear.